The following is an entry in ClinVar:

NM_007214.5(SEC63):c.733+1G>A

Gene: SEC63 (SEC63 homolog, protein translocation regulator; minus strand). Cytogenetic location: 6q21.
Variant type: single nucleotide variant.
Coding change: c.733+1G>A on transcript NM_007214.5 (MANE Select); the canonical splice donor site of the intron after coding-DNA position 733, G replaced by A.
Molecular consequence: splice donor variant.
Genome position (GRCh38, 1-based): chr6:107,908,926, C>T on the plus strand (G>A on the coding strand, the complement: SEC63 is on the minus strand). VCF-style: chr6-107908926-C-T. GRCh37 (hg19) VCF-style: chr6-108230130-C-T.
Other names: IVS8DS, G-A, +1.
Identifiers: ClinVar variation 2169 (VCV000002169.5), dbSNP rs886041028, ClinGen allele CA10602347.

ClinVar aggregate classification (germline): Pathogenic. Review status: criteria provided, multiple submitters, no conflicts (2 of 4 stars). 4 submissions from 4 submitters: Pathogenic (2). 2 of the submissions do not count toward it. Last evaluated 2021-12-23.

Conditions:
Polycystic liver disease 2 (PCLD2). Also called: Polycystic liver disease 2 with or without kidney cysts. Identifiers: Orphanet 2924, MedGen C4310769, MONDO:0014860, OMIM 617004.

Allele frequency attached by ClinVar (database versions not stated): gnomAD exomes below 0.00001.
gnomAD v4.1: 5 of 1,563,806 alleles (0.00032%); highest among the groups gnomAD compares: East Asian, 0.0022%; no homozygotes.

Submissions (4):

Fulgent Genetics
Classification: Pathogenic for Polycystic liver disease 2. Last evaluated: 2021-12-23. Review status: criteria provided, single submitter. Criteria: ACMG Guidelines, 2015. Collection method: clinical testing. Allele origin: unknown.

Victorian Clinical Genetics Services, Murdoch Childrens Research Institute
Classification: Pathogenic for Polycystic liver disease 2. Last evaluated: 2020-06-11. Review status: criteria provided, single submitter. Criteria: ACMG Guidelines, 2015. Collection method: clinical testing. Allele origin: germline. Inheritance: Autosomal dominant inheritance. Affected: yes.
Comment: Based on the classification scheme VCGS_Germline_v1.1.1, this variant is classified as pathogenic. Following criteria are met: 0102 - Loss-of-function is a known mechanism of disease for this gene. (N) 0107 - This gene is known to be associated with autosomal dominant disease. (N) 0211 - Canonical splice site variant without proven consequence on splicing (no functional evidence available). Variant is in intron 8 of 20 of the SEC63 gene. (P) 0251 - Variant is heterozygous. (N) 0302 - Variant is present in gnomAD <0.001 for a dominant condition (1 heterozygote, 0 homozygotes). (P) 0505 - Abnormal splicing is predicted by in silico tools and affected nucleotide is highly conserved. (P) 0703 - Comparable variant (c.733+1G>T) has moderate previous evidence for pathogenicity in a patient with polycystic liver disease (PMID: 20095989). (P) 0803 - Low previous evidence of pathogenicity in a single family with polycystic liver disease (ClinVar, PMID:15133510). (P) 0903 - Low evidence for segregation with disease in a single family (PMID:15133510) (P) 1007 - No published functional evidence has been identified for this variant. (N) 1102 - Strong phenotype match. (P) 1208 - Inheritance information for this variant is not currently available. (N) Legend: (P) - Pathogenic, (N) - Neutral, (B) - Benign

Genetic Services Laboratory, University of Chicago
Classification: Pathogenic. Last evaluated: 2022-09-16. Review status: no assertion criteria provided. Collection method: clinical testing. Allele origin: germline. Affected: yes. Not counted in ClinVar's aggregate classification.
Comment: DNA sequence analysis of the SEC63 gene demonstrated a sequence change in the canonical splice donor site of intron 8, c.733+1G>A. This sequence change has been described in the gnomAD database in a single individual corresponding to an overall frequency of 0.0004% (dbSNP rs886041028). This pathogenic sequence change has previously been described in five members of a family affected with polycystic liver disease (PMID: 15133510). Additionally, a different sequence change at this same position, c.733+1G>T, has been identified in an individual with polycystic liver disease (PMID: 20095989). Based on in-silico splice prediction programs, this sequence change likely affects normal splicing of the SEC63 gene which would result in an abnormal protein, however functional studies have not been performed to prove this conclusively. Based on these collective evidences, this sequence change is classified as pathogenic.

OMIM
Classification: Pathogenic for POLYCYSTIC LIVER DISEASE 2 WITHOUT KIDNEY CYSTS. Last evaluated: 2004-06-01. Review status: no assertion criteria provided. Collection method: literature only. Allele origin: germline. Not counted in ClinVar's aggregate classification.

Literature cited by the submitters: PubMed 15133510 (cited by Victorian Clinical Genetics Services, Murdoch Childrens Research Institute and OMIM); PubMed 20095989 (cited by Victorian Clinical Genetics Services, Murdoch Childrens Research Institute).